The following is an entry in ClinVar:

NM_012418.4(FSCN2):c.52A>G (p.Asn18Asp)

Gene: FSCN2 (fascin actin-bundling protein 2, retinal; plus strand). Cytogenetic location: 17q25.3.
Variant type: single nucleotide variant.
Coding change: c.52A>G on transcript NM_012418.4 (MANE Select); coding-DNA position 52, A replaced by G.
Protein change: p.Asn18Asp; replaces asparagine 18 with aspartic acid.
Molecular consequence: missense variant.
Genome position (GRCh38, 1-based): chr17:81,528,583, A>G. VCF-style: chr17-81528583-A-G. GRCh37 (hg19) VCF-style: chr17-79495609-A-G.
Other names: c.52A>G, p.Asn18Asp (NM_001077182.3); c.52A>G (NM_001077182.2); short protein forms N18D.
Identifiers: ClinVar variation 1467636 (VCV001467636.9), dbSNP rs1555670511, ClinGen allele CA401469432.
Genomic context (GRCh38, chr17:81,528,583, plus strand): 5'-AGCCTGAAGATGCCGACGAACGGCCTGCACCAGGTGCTGAAGATCCAGTTTGGCCTCGTC[A>G]ACGACACTGACCGCTACCTGACAGCTGAGAGCTTCGGCTTCAAGGTCAATGCCTCGGCAC-3'
Protein context (NP_036550.1, residues 8-28): QVLKIQFGLV[Asn18Asp]DTDRYLTAES

ClinVar aggregate classification (germline): Uncertain significance. Review status: criteria provided, multiple submitters, no conflicts (2 of 4 stars). 2 submissions from 2 submitters: Uncertain significance (2). Last evaluated 2025-12-11.

Allele frequency attached by ClinVar (database versions not stated): gnomAD exomes below 0.00001.
gnomAD v4.1: 6 of 1,609,088 alleles (0.00037%); highest among the groups gnomAD compares: Non-Finnish European, 0.00051%; no homozygotes.

Submissions (2):

Ambry Genetics
Classification: Uncertain significance. Last evaluated: 2025-12-11. Review status: criteria provided, single submitter. Criteria: Ambry Variant Classification Scheme 2023. Collection method: clinical testing. Allele origin: germline.

Labcorp Genetics (formerly Invitae), Labcorp
Classification: Uncertain significance. Last evaluated: 2024-02-24. Review status: criteria provided, single submitter. Criteria: Invitae Variant Classification Sherloc (09022015). Collection method: clinical testing. Allele origin: germline.
Comment: This sequence change replaces asparagine, which is neutral and polar, with aspartic acid, which is acidic and polar, at codon 18 of the FSCN2 protein (p.Asn18Asp). This variant is present in population databases (no rsID available, gnomAD 0.0009%). This variant has not been reported in the literature in individuals affected with FSCN2-related conditions. ClinVar contains an entry for this variant (Variation ID: 1467636). An algorithm developed to predict the effect of missense changes on protein structure and function (PolyPhen-2) suggests that this variant is likely to be disruptive. In summary, the available evidence is currently insufficient to determine the role of this variant in disease. Therefore, it has been classified as a Variant of Uncertain Significance.